The following is an entry in ClinVar:

NM_004415.4(DSP):c.5075_5080del (p.Lys1692_Ser1693del)

Gene: DSP (desmoplakin; plus strand). Cytogenetic location: 6p24.3.
Variant type: Deletion.
Coding change: c.5075_5080del on transcript NM_004415.4 (MANE Select); coding-DNA positions 5075 to 5080, 6 bases deleted (AAAGCA; older notation c.5075_5080delAAAGCA).
Protein change: p.Lys1692_Ser1693del.
Molecular consequence: inframe deletion. On other transcripts: intron variant (2).
Genome position (GRCh38, 1-based): chr6:7,581,265-7,581,270, AAAGCA deleted; deleting any 6 consecutive bases within chr6:7,581,264-7,581,270 gives the same sequence; the c. name uses the placement nearest the transcript's 3' end. VCF-style (leftmost placement, unchanged base first): chr6-7581263-TAAAAGC-T. GRCh37 (hg19) VCF-style: chr6-7581496-TAAAAGC-T.
Other names: c.4050+1025_4050+1030del (NM_001319034.2); c.3583-1377_3583-1372del (NM_001008844.3).
Identifiers: ClinVar variation 2038741 (VCV002038741.4), dbSNP rs2533931524, ClinGen allele CA2580075407.

ClinVar aggregate classification (germline): Uncertain significance (1 of 4 stars; one submission).

Conditions:
Arrhythmogenic right ventricular dysplasia 8 (ARVD8). Also called: ARRHYTHMOGENIC RIGHT VENTRICULAR DYSPLASIA, FAMILIAL, 8; ARRHYTHMOGENIC RIGHT VENTRICULAR CARDIOMYOPATHY 8; Arrhythmogenic Right Ventricular Dysplasia/Cardiomyopathy 8. Identifiers: MedGen C1843896, MONDO:0011831, OMIM 607450.
Arrhythmogenic cardiomyopathy with wooly hair and keratoderma. Also called: Dilated cardiomyopathy with woolly hair and keratoderma; Carvajal syndrome; PALMOPLANTAR KERATODERMA WITH LEFT VENTRICULAR CARDIOMYOPATHY AND WOOLLY HAIR; Arrhythmogenic cardiomyopathy with woolly hair and keratoderma. Identifiers: Orphanet 65282, MedGen C1854063, MONDO:0011581, OMIM 605676.

Submission:

Labcorp Genetics (formerly Invitae), Labcorp
Classification: Uncertain significance for Arrhythmogenic cardiomyopathy with wooly hair and keratoderma; Arrhythmogenic right ventricular dysplasia 8. Last evaluated: 2022-02-25. Review status: criteria provided, single submitter. Criteria: Invitae Variant Classification Sherloc (09022015). Collection method: clinical testing. Allele origin: germline.
Comment: In summary, the available evidence is currently insufficient to determine the role of this variant in disease. Therefore, it has been classified as a Variant of Uncertain Significance. This variant, c.5075_5080del, results in the deletion of 2 amino acid(s) of the DSP protein (p.Lys1692_Ser1693del), but otherwise preserves the integrity of the reading frame. This variant is not present in population databases (gnomAD no frequency). This variant has not been reported in the literature in individuals affected with DSP-related conditions. Experimental studies and prediction algorithms are not available or were not evaluated, and the functional significance of this variant is currently unknown.